The following is an entry in ClinVar:

ClinVar aggregate classification (germline): Benign (0 of 4 stars; one submission).

Conditions:
SERPINA1-related disorder. Also called: SerpinA1-related disorders; SERPINA1-related condition.

Submission:

PreventionGenetics, part of Exact Sciences
Classification: Benign for SERPINA1-related condition. Last evaluated: 2021-05-03. Review status: no assertion criteria provided. Collection method: clinical testing. Allele origin: germline.
Comment: This variant is classified as benign based on ACMG/AMP sequence variant interpretation guidelines (Richards et al. 2015 PMID: 25741868, with internal and published modifications).

NM_000295.5(SERPINA1):c.964G>A (p.Asp322Asn)

Gene: SERPINA1 (serpin family A member 1; minus strand). Cytogenetic location: 14q32.13.
Variant type: single nucleotide variant.
Coding change: c.964G>A on transcript NM_000295.5 (MANE Select); coding-DNA position 964, G replaced by A.
Protein change: p.Asp322Asn; replaces aspartic acid 322 with asparagine.
Molecular consequence: missense variant.
Genome position (GRCh38, 1-based): chr14:94,379,565, C>T on the plus strand (G>A on the coding strand, the complement: SERPINA1 is on the minus strand). VCF-style: chr14-94379565-C-T. GRCh37 (hg19) VCF-style: chr14-94845902-C-T.
Other names: c.964G>A, p.Asp322Asn (NM_001002235.3, NM_001002236.3, NM_001127700.2 and 7 more transcripts); short protein forms D322N.
Identifiers: ClinVar variation 3059131 (VCV003059131.2), dbSNP rs55704149, ClinGen allele CA390848194.
Genomic context (GRCh38, chr14:94,379,565, plus strand): 5'-GGTCAGCCCCATTGCTGAAGACCTTAGTGATGCCCAGTTGACCCAGGACGCTCTTCAGAT[C>T]ATAGGTTCCAGTAATGGACAGTTTGGGTAAATGTAAGCTGGCAGACCTGTCGTGCAGAAA-3'
Protein context (NP_000286.3, residues 312-332): LPKLSITGTY[Asp322Asn]LKSVLGQLGI